The following is an entry in ClinVar:

NM_001130009.3(GEN1):c.176G>C (p.Arg59Pro)

Gene: GEN1 (GEN1 Holliday junction 5' flap endonuclease; plus strand). Cytogenetic location: 2p24.2.
Variant type: single nucleotide variant.
Coding change: c.176G>C on transcript NM_001130009.3 (MANE Select); coding-DNA position 176, G replaced by C.
Protein change: p.Arg59Pro; replaces arginine 59 with proline.
Molecular consequence: missense variant.
Genome position (GRCh38, 1-based): chr2:17,761,410, G>C. VCF-style: chr2-17761410-G-C. GRCh37 (hg19) VCF-style: chr2-17942677-G-C.
Other names: c.176G>C, p.Arg59Pro (NM_182625.5); short protein forms R59P.
Identifiers: ClinVar variation 3519734 (VCV003519734.1).
Genomic context (GRCh38, chr2:17,761,410, plus strand): 5'-CTATCAGTGTTTGATGATTAATGTATTACTAATTTATATATTTCAGGAACTTATTTTTTC[G>C]TATCTCATATTTAACACAAATGGATGTAAAACTGGTATTTGTTATGGAAGGGGAACCACC-3'
Protein context (NP_001123481.3, residues 49-69): MKPHLRNLFF[Arg59Pro]ISYLTQMDVK

ClinVar aggregate classification (germline): Uncertain significance (1 of 4 stars; one submission).

Submission:

Ambry Genetics
Classification: Uncertain significance. Last evaluated: 2024-11-23. Review status: criteria provided, single submitter. Criteria: Ambry Variant Classification Scheme 2023. Collection method: clinical testing. Allele origin: germline.
Comment: The p.R59P variant (also known as c.176G>C), located in coding exon 2 of the GEN1 gene, results from a G to C substitution at nucleotide position 176. The arginine at codon 59 is replaced by proline, an amino acid with dissimilar properties. This amino acid position is conserved. In addition, this alteration is predicted to be deleterious by in silico analysis. Based on the available evidence, the clinical significance of this variant remains unclear.